The following is an entry in ClinVar:

ClinVar aggregate classification (germline): Uncertain significance (1 of 4 stars; one submission).

Conditions:
DYRK1B-related disorder. Also called: DYRK1B-related condition.

gnomAD v4.1: 4 of 1,417,206 alleles (0.00028%); highest among the groups gnomAD compares: Middle Eastern, 0.021%; no homozygotes.

Submission:

PreventionGenetics, part of Exact Sciences
Classification: Uncertain significance for DYRK1B-related condition. Last evaluated: 2024-12-23. Review status: criteria provided, single submitter. Criteria: ACMG Guidelines, 2015. Collection method: clinical testing. Allele origin: germline.
Comment: The DYRK1B c.1169G>A variant is predicted to result in the amino acid substitution p.Arg390Gln. To our knowledge, this variant has not been reported in the literature or in a large population database (gnomAD), indicating this variant is rare. At this time, the clinical significance of this variant is uncertain due to the absence of conclusive functional and genetic evidence.

NM_004714.3(DYRK1B):c.1169G>A (p.Arg390Gln)

Gene: DYRK1B (dual specificity tyrosine phosphorylation regulated kinase 1B; minus strand). Cytogenetic location: 19q13.2.
Variant type: single nucleotide variant.
Coding change: c.1169G>A on transcript NM_004714.3 (MANE Select); coding-DNA position 1169, G replaced by A.
Protein change: p.Arg390Gln; replaces arginine 390 with glutamine.
Molecular consequence: missense variant. On other transcripts: intron variant (2).
Genome position (GRCh38, 1-based): chr19:39,826,914, C>T on the plus strand (G>A on the coding strand, the complement: DYRK1B is on the minus strand). VCF-style: chr19-39826914-C-T. GRCh37 (hg19) VCF-style: chr19-40317554-C-T.
Other names: c.1096-47G>A (NM_006483.3); c.1131+38G>A (NM_006484.3); short protein forms R390Q.
Identifiers: ClinVar variation 4988409 (VCV004988409.1).